The following is an entry in ClinVar:

NM_001130987.2(DYSF):c.823G>T (p.Val275Phe)

Gene: DYSF (dysferlin; plus strand). Cytogenetic location: 2p13.2.
Variant type: single nucleotide variant.
Coding change: c.823G>T on transcript NM_001130987.2 (MANE Select); coding-DNA position 823, G replaced by T.
Protein change: p.Val275Phe; replaces valine 275 with phenylalanine.
Molecular consequence: missense variant.
Genome position (GRCh38, 1-based): chr2:71,515,686, G>T. VCF-style: chr2-71515686-G-T. GRCh37 (hg19) VCF-style: chr2-71742816-G-T.
Other names: c.727G>T (NM_003494.3); c.727G>T, p.Val243Phe (NM_003494.4, NM_001130976.2, NM_001130977.2 and 1 more transcripts); c.730G>T, p.Val244Phe (NM_001130455.2, NM_001130983.2, NM_001130984.2 and 1 more transcripts); c.820G>T, p.Val274Phe (NM_001130979.2, NM_001130980.2, NM_001130981.2); c.823G>T, p.Val275Phe (NM_001130982.2, NM_001130985.2); short protein forms V244F, V275F, V274F, V243F.
Identifiers: ClinVar variation 1951702 (VCV001951702.3), dbSNP rs2545413654, ClinGen allele CA347208582.

ClinVar aggregate classification (germline): Uncertain significance. Review status: criteria provided, multiple submitters, no conflicts (2 of 4 stars). 2 submissions from 2 submitters: Uncertain significance (2). Last evaluated 2024-12-04.

Conditions:
Neuromuscular disease caused by qualitative or quantitative defects of dysferlin. Also called: Dysferlinopathy; Qualitative or quantitative defects of dysferlin. Identifiers: Orphanet 207073, MedGen C2931687, MONDO:0016145.
Inborn genetic diseases. Identifiers: MedGen C0950123, MeSH D030342.

Submissions (2):

Ambry Genetics
Classification: Uncertain significance for Inborn genetic diseases. Last evaluated: 2024-12-04. Review status: criteria provided, single submitter. Criteria: Ambry Variant Classification Scheme 2023. Collection method: clinical testing. Allele origin: germline.

Labcorp Genetics (formerly Invitae), Labcorp
Classification: Uncertain significance for Neuromuscular disease caused by qualitative or quantitative defects of dysferlin. Last evaluated: 2022-01-17. Review status: criteria provided, single submitter. Criteria: Invitae Variant Classification Sherloc (09022015). Collection method: clinical testing. Allele origin: germline.
Comment: This sequence change replaces valine, which is neutral and non-polar, with phenylalanine, which is neutral and non-polar, at codon 243 of the DYSF protein (p.Val243Phe). This variant is not present in population databases (gnomAD no frequency). This variant has not been reported in the literature in individuals affected with DYSF-related conditions. Advanced modeling of protein sequence and biophysical properties (such as structural, functional, and spatial information, amino acid conservation, physicochemical variation, residue mobility, and thermodynamic stability) performed at Invitae indicates that this missense variant is expected to disrupt DYSF protein function. In summary, the available evidence is currently insufficient to determine the role of this variant in disease. Therefore, it has been classified as a Variant of Uncertain Significance.